The following is an entry in ClinVar:

NM_007294.4(BRCA1):c.155T>A (p.Leu52His)

Gene: BRCA1 (BRCA1 DNA repair associated; minus strand). Cytogenetic location: 17q21.31.
Variant type: single nucleotide variant.
Coding change: c.155T>A on transcript NM_007294.4 (MANE Select); coding-DNA position 155, T replaced by A.
Protein change: p.Leu52His; replaces leucine 52 with histidine.
Molecular consequence: missense variant. On other transcripts: non-coding transcript variant (1).
Genome position (GRCh38, 1-based): chr17:43,106,513, A>T on the plus strand (T>A on the coding strand, the complement: BRCA1 is on the minus strand). VCF-style: chr17-43106513-A-T. GRCh37 (hg19) VCF-style: chr17-41258530-A-T.
Other names: c.14T>A, p.Leu5His (NM_001407944.1, NM_001407945.1, NM_001407964.1 and 99 more transcripts); c.-34T>A (NM_001407946.1, NM_001407947.1, NM_001407948.1 and 58 more transcripts); c.155T>A, p.Leu52His (NM_001407968.1, NM_001407969.1, NM_001407970.1 and 168 more transcripts); short protein forms L52H, L5H.
Identifiers: ClinVar variation 867282 (VCV000867282.3), dbSNP rs1060502346, ClinGen allele CA10601847.

Conditions:
Breast-ovarian cancer, familial, susceptibility to, 1 (BROVCA1). Also called: BRCA1 Hereditary Breast and Ovarian Cancer; OVARIAN CANCER, SUSCEPTIBILITY TO. Identifiers: Orphanet 145, MedGen C2676676, MONDO:0011450, OMIM 604370. Disease mechanism: loss of function.

Submission:

Brotman Baty Institute, University of Washington
No classification provided (evidence only). Condition: Breast-ovarian cancer, familial 1. Review status: no classification provided. Collection method: in vitro. Allele origin: not applicable. Functional consequence: function_uncertain_variant.
ClinVar note: "not provided" was previously submitted as the classification for the variant. However, the classification appeared to be based only on an observation of functional data so it was converted to no classification on 2025-07-30.